The following is an entry in ClinVar:

ClinVar aggregate classification (germline): Uncertain significance. Review status: criteria provided, multiple submitters, no conflicts (2 of 4 stars). 2 submissions from 2 submitters: Uncertain significance (2). Last evaluated 2025-07-21.

Conditions:
Hereditary cancer-predisposing syndrome. Also called: Hereditary Cancer Syndrome; Neoplastic Syndromes, Hereditary; Tumor predisposition; Hereditary neoplastic syndrome. Identifiers: Orphanet 140162, MedGen C0027672, MeSH D009386, MONDO:0015356.

Submissions (2):

Labcorp Genetics (formerly Invitae), Labcorp
Classification: Uncertain significance. Last evaluated: 2025-07-21. Review status: criteria provided, single submitter. Criteria: Invitae Variant Classification Sherloc (09022015). Collection method: clinical testing. Allele origin: germline.
Comment: This sequence change replaces lysine, which is basic and polar, with glutamic acid, which is acidic and polar, at codon 126 of the NTHL1 protein (p.Lys126Glu). This variant is not present in population databases (gnomAD no frequency). This variant has not been reported in the literature in individuals affected with NTHL1-related conditions. ClinVar contains an entry for this variant (Variation ID: 1977747). An algorithm developed to predict the effect of missense changes on protein structure and function outputs the following: PolyPhen-2: "Benign". The glutamic acid amino acid residue is found in multiple mammalian species, which suggests that this missense change does not adversely affect protein function. In summary, the available evidence is currently insufficient to determine the role of this variant in disease. Therefore, it has been classified as a Variant of Uncertain Significance.

Ambry Genetics
Classification: Uncertain significance for Hereditary cancer-predisposing syndrome. Last evaluated: 2025-05-16. Review status: criteria provided, single submitter. Criteria: Ambry Variant Classification Scheme 2023. Collection method: clinical testing. Allele origin: germline.
Comment: The p.K126E variant (also known as c.376A>G), located in coding exon 2 of the NTHL1 gene, results from an A to G substitution at nucleotide position 376. The lysine at codon 126 is replaced by glutamic acid, an amino acid with similar properties. This amino acid position is conserved. In addition, the in silico prediction for this alteration is inconclusive. Based on the available evidence, the clinical significance of this variant remains unclear.

NM_002528.7(NTHL1):c.352A>G (p.Lys118Glu)

Gene: NTHL1 (nth like DNA glycosylase 1; minus strand). Cytogenetic location: 16p13.3.
Variant type: single nucleotide variant.
Coding change: c.352A>G on transcript NM_002528.7 (MANE Select); coding-DNA position 352, A replaced by G.
Protein change: p.Lys118Glu; replaces lysine 118 with glutamic acid.
Molecular consequence: missense variant. On other transcripts: intron variant (1).
Genome position (GRCh38, 1-based): chr16:2,046,130, T>C on the plus strand (A>G on the coding strand, the complement: NTHL1 is on the minus strand). VCF-style: chr16-2046130-T-C. GRCh37 (hg19) VCF-style: chr16-2096131-T-C.
Other names: c.352A>G, p.Lys118Glu (NM_001318193.2); c.24+150A>G (NM_001318194.2); c.376A>G (NM_002528.5); short protein forms K118E.
Identifiers: ClinVar variation 1977747 (VCV001977747.6), dbSNP rs2084361345, ClinGen allele CA394295038.